The following is an entry in ClinVar:

NM_138409.4(MRAP2):c.58G>C (p.Asp20His)

Gene: MRAP2 (melanocortin 2 receptor accessory protein 2; plus strand). Cytogenetic location: 6q14.2.
Variant type: single nucleotide variant.
Coding change: c.58G>C on transcript NM_138409.4 (MANE Select); coding-DNA position 58, G replaced by C.
Protein change: p.Asp20His; replaces aspartic acid 20 with histidine.
Molecular consequence: missense variant. On other transcripts: 5 prime UTR variant (2).
Genome position (GRCh38, 1-based): chr6:84,055,376, G>C. VCF-style: chr6-84055376-G-C. GRCh37 (hg19) VCF-style: chr6-84765095-G-C.
Other names: c.-101G>C (NM_001346541.2); c.58G>C, p.Asp20His (NM_001346542.2, NM_001346544.2); c.-202G>C (NM_001346543.2); c.58G>C (NM_138409.3); short protein forms D20H.
Identifiers: ClinVar variation 3203879 (VCV003203879.2), dbSNP rs968698551, ClinGen allele CA141972694.

ClinVar aggregate classification (germline): Uncertain significance. Review status: criteria provided, single submitter (1 of 4 stars). 2 submissions from 2 submitters: Uncertain significance (1). 1 of the submissions does not count toward it. Last evaluated 2023-09-22.

Conditions:
MRAP2-related disorder. Also called: MRAP2-related condition.

Allele frequency attached by ClinVar (database versions not stated): gnomAD exomes below 0.00001; gnomAD 0.00001; TOPMed 0.00001.
gnomAD v4.1: 2 of 1,613,522 alleles (0.00012%); highest among the groups gnomAD compares: Non-Finnish European, 0.00017%; no homozygotes.

Submissions (2):

Ambry Genetics
Classification: Uncertain significance. Last evaluated: 2023-09-22. Review status: criteria provided, single submitter. Criteria: Ambry Variant Classification Scheme 2023. Collection method: clinical testing. Allele origin: germline.

PreventionGenetics, part of Exact Sciences
Classification: Uncertain significance for MRAP2-related condition. Last evaluated: 2024-04-09. Review status: no assertion criteria provided. Collection method: clinical testing. Allele origin: germline. Not counted in ClinVar's aggregate classification.
Comment: The MRAP2 c.58G>C variant is predicted to result in the amino acid substitution p.Asp20His. To our knowledge, this variant has not been reported in the literature or in a large population database, indicating this variant is rare. At this time, the clinical significance of this variant is uncertain due to the absence of conclusive functional and genetic evidence.